The following is an entry in ClinVar:

NM_173354.5(SIK1):c.2053G>A (p.Val685Met)

Gene: SIK1 (salt inducible kinase 1; minus strand). Cytogenetic location: 21q22.3.
Variant type: single nucleotide variant.
Coding change: c.2053G>A on transcript NM_173354.5 (MANE Select); coding-DNA position 2053, G replaced by A.
Protein change: p.Val685Met; replaces valine 685 with methionine.
Molecular consequence: missense variant.
Genome position (GRCh38, 1-based): chr21:43,417,041, C>T on the plus strand (G>A on the coding strand, the complement: SIK1 is on the minus strand). VCF-style: chr21-43417041-C-T. GRCh37 (hg19) VCF-style: chr21-44836921-C-T.
Other names: short protein forms V685M.
Identifiers: ClinVar variation 2416792 (VCV002416792.8), dbSNP rs1272074913, ClinGen allele CA410606746.

ClinVar aggregate classification (germline): Uncertain significance (1 of 4 stars; one submission).

Conditions:
Developmental and epileptic encephalopathy, 30 (DEE30). Also called: Epileptic encephalopathy, early infantile, 30. Identifiers: MedGen C4225360, MONDO:0014595, OMIM 616341.

Submission:

Labcorp Genetics (formerly Invitae), Labcorp
Classification: Uncertain significance for Developmental and epileptic encephalopathy, 30. Last evaluated: 2022-07-06. Review status: criteria provided, single submitter. Criteria: Invitae Variant Classification Sherloc (09022015). Collection method: clinical testing. Allele origin: germline.
Comment: In summary, the available evidence is currently insufficient to determine the role of this variant in disease. Therefore, it has been classified as a Variant of Uncertain Significance. Advanced modeling of protein sequence and biophysical properties (such as structural, functional, and spatial information, amino acid conservation, physicochemical variation, residue mobility, and thermodynamic stability) performed at Invitae indicates that this missense variant is not expected to disrupt SIK1 protein function. This variant has not been reported in the literature in individuals affected with SIK1-related conditions. This variant is not present in population databases (gnomAD no frequency). This sequence change replaces valine, which is neutral and non-polar, with methionine, which is neutral and non-polar, at codon 685 of the SIK1 protein (p.Val685Met).